The following is an entry in ClinVar:

ClinVar aggregate classification (germline): Uncertain significance. Review status: criteria provided, multiple submitters, no conflicts (2 of 4 stars). 2 submissions from 2 submitters: Uncertain significance (2). Last evaluated 2024-03-28.

Conditions:
Inborn genetic diseases. Identifiers: MedGen C0950123, MeSH D030342.

Allele frequency attached by ClinVar (database versions not stated): ExAC 0.00002; gnomAD exomes 0.00002; gnomAD 0.00003; TOPMed 0.00003.
gnomAD v4.1: 27 of 1,614,042 alleles (0.0017%); highest among the groups gnomAD compares: Non-Finnish European, 0.0022%; no homozygotes.

Submissions (2):

Ambry Genetics
Classification: Uncertain significance for Inborn genetic diseases. Last evaluated: 2024-03-28. Review status: criteria provided, single submitter. Criteria: Ambry Variant Classification Scheme 2023. Collection method: clinical testing. Allele origin: germline.

Labcorp Genetics (formerly Invitae), Labcorp
Classification: Uncertain significance. Last evaluated: 2023-11-13. Review status: criteria provided, single submitter. Criteria: Invitae Variant Classification Sherloc (09022015). Collection method: clinical testing. Allele origin: germline.
Comment: This sequence change replaces lysine, which is basic and polar, with asparagine, which is neutral and polar, at codon 82 of the SLC16A1 protein (p.Lys82Asn). This variant is present in population databases (rs775009482, gnomAD 0.004%). This variant has not been reported in the literature in individuals affected with SLC16A1-related conditions. An algorithm developed to predict the effect of missense changes on protein structure and function (PolyPhen-2) suggests that this variant is likely to be tolerated. In summary, the available evidence is currently insufficient to determine the role of this variant in disease. Therefore, it has been classified as a Variant of Uncertain Significance.

NM_003051.4(SLC16A1):c.246A>C (p.Lys82Asn)

Gene: SLC16A1 (solute carrier family 16 member 1; minus strand). Cytogenetic location: 1p13.2.
Variant type: single nucleotide variant.
Coding change: c.246A>C on transcript NM_003051.4 (MANE Select); coding-DNA position 246, A replaced by C.
Protein change: p.Lys82Asn; replaces lysine 82 with asparagine.
Molecular consequence: missense variant.
Genome position (GRCh38, 1-based): chr1:112,922,105, T>G on the plus strand (A>C on the coding strand, the complement: SLC16A1 is on the minus strand). VCF-style: chr1-112922105-T-G. GRCh37 (hg19) VCF-style: chr1-113464727-T-G.
Other names: c.246A>C, p.Lys82Asn (NM_001166496.2); c.246A>C (NM_003051.3); short protein forms K82N.
Identifiers: ClinVar variation 2989656 (VCV002989656.4), dbSNP rs775009482, ClinGen allele CA1011488.
Genomic context (GRCh38, chr1:112,922,105, plus strand): 5'-TGCAATCAAGCCACAGCCTGACAAGCAGCCACCAACAATCATGACTATACGACTTCCATA[T>G]TTATTCACCAGGATACTGCTGATAGGACCTAAAAGACAACCAAAAATGTAGTAATATAAA-3'
Protein context (NP_003042.3, residues 72-92): GGPISSILVN[Lys82Asn]YGSRIVMIVG